The following is an entry in ClinVar:

NM_001040142.2(SCN2A):c.4551+5G>A

Gene: SCN2A (sodium voltage-gated channel alpha subunit 2; plus strand). Cytogenetic location: 2q24.3.
Variant type: single nucleotide variant.
Coding change: c.4551+5G>A on transcript NM_001040142.2 (MANE Select); 5 bases into the intron after coding-DNA position 4551, G replaced by A.
Molecular consequence: intron variant.
Genome position (GRCh38, 1-based): chr2:165,381,202, G>A. VCF-style: chr2-165381202-G-A. GRCh37 (hg19) VCF-style: chr2-166237712-G-A.
Other names: c.4551+5G>A (NM_001040143.2, NM_001371246.1, NM_001371247.1 and 1 more transcripts).
Identifiers: ClinVar variation 1709190 (VCV001709190.3), dbSNP rs2468129879, ClinGen allele CA2580064459.

ClinVar aggregate classification (germline): Conflicting classifications of pathogenicity. Review status: criteria provided, conflicting classifications (1 of 4 stars). 2 submissions from 2 submitters: Likely pathogenic (1); Uncertain significance (1). Last evaluated 2026-02-19.

Conditions:
Developmental and epileptic encephalopathy, 11 (DEE11). Also called: Early infantile epileptic encephalopathy 11. Identifiers: Orphanet 1934, MedGen C3150987, MONDO:0013388, OMIM 613721.

Submissions (2):

GeneDx
Classification: Uncertain significance. Last evaluated: 2026-02-19. Review status: criteria provided, single submitter. Criteria: GeneDx Variant Classification Process June 2021. Collection method: clinical testing. Allele origin: germline.
Comment: Not observed at significant frequency in large population cohorts (gnomAD); Intronic +5 splice site variant in a gene for which loss of function is a known mechanism of disease, and both splice predictors and evolutionary conservation support a deleterious effect, although in the absence of functional evidence the actual effect of this sequence change is unknown.; Has not been previously published as pathogenic or benign to our knowledge

MGZ Medical Genetics Center
Classification: Likely pathogenic for Developmental and epileptic encephalopathy, 11. Last evaluated: 2021-09-02. Review status: criteria provided, single submitter. Criteria: ACMG Guidelines, 2015. Collection method: clinical testing. Allele origin: germline. Affected: yes. Observed: 1 variant allele.
Comment: ACMG criteria applied: PS2, PM2_SUP, PP3